The following is an entry in ClinVar:

NM_024675.4(PALB2):c.2649A>G (p.Lys883=)

Gene: PALB2 (partner and localizer of BRCA2; minus strand). Cytogenetic location: 16p12.2.
Variant type: single nucleotide variant.
Coding change: c.2649A>G on transcript NM_024675.4 (MANE Select); coding-DNA position 2649, A replaced by G.
Protein change: p.Lys883=; no amino-acid change (lysine 883 retained).
Molecular consequence: synonymous variant.
Genome position (GRCh38, 1-based): chr16:23,626,335, T>C on the plus strand (A>G on the coding strand, the complement: PALB2 is on the minus strand). VCF-style: chr16-23626335-T-C. GRCh37 (hg19) VCF-style: chr16-23637656-T-C.
Identifiers: ClinVar variation 186414 (VCV000186414.15), dbSNP rs786202932, ClinGen allele CA194755.

ClinVar aggregate classification (germline): Benign/Likely benign. Review status: criteria provided, multiple submitters, no conflicts (2 of 4 stars). 3 submissions from 3 submitters: Benign (1); Likely benign (2). Last evaluated 2025-01-17.

Conditions:
Hereditary cancer-predisposing syndrome. Also called: Neoplastic Syndromes, Hereditary; Tumor predisposition; Hereditary Cancer Syndrome; Hereditary neoplastic syndrome. Identifiers: Orphanet 140162, MedGen C0027672, MeSH D009386, MONDO:0015356.
Familial cancer of breast. Also called: BREAST CANCER, FAMILIAL; Hereditary breast cancer; hereditary breast carcinoma. Identifiers: Orphanet 227535, MedGen C0346153, MONDO:0016419, OMIM 114480. Disease mechanism: loss of function.

Submissions (3):

Myriad Genetics, Inc.
Classification: Benign for Familial cancer of breast. Last evaluated: 2025-01-17. Review status: criteria provided, single submitter. Criteria: Myriad Autosomal Dominant, Autosomal Recessive and X-Linked Classification Criteria (2023). Collection method: clinical testing. Allele origin: unknown.
Comment: This variant is considered benign. This variant is a silent/synonymous amino acid change and it is not expected to impact splicing.

Labcorp Genetics (formerly Invitae), Labcorp
Classification: Likely benign for Familial cancer of breast. Last evaluated: 2017-10-04. Review status: criteria provided, single submitter. Criteria: Invitae Variant Classification Sherloc (09022015). Collection method: clinical testing. Allele origin: germline.

Ambry Genetics
Classification: Likely benign for Hereditary cancer-predisposing syndrome. Last evaluated: 2014-10-03. Review status: criteria provided, single submitter. Criteria: Ambry Variant Classification Scheme 2023. Collection method: clinical testing. Allele origin: germline.